The following is an entry in ClinVar:

NM_001277115.2(DNAH11):c.1619T>G (p.Phe540Cys)

Gene: DNAH11 (dynein axonemal heavy chain 11; plus strand). Cytogenetic location: 7p15.3.
Variant type: single nucleotide variant.
Coding change: c.1619T>G on transcript NM_001277115.2 (MANE Select); coding-DNA position 1619, T replaced by G.
Protein change: p.Phe540Cys; replaces phenylalanine 540 with cysteine.
Molecular consequence: missense variant.
Genome position (GRCh38, 1-based): chr7:21,581,930, T>G. VCF-style: chr7-21581930-T-G. GRCh37 (hg19) VCF-style: chr7-21621548-T-G.
Other names: short protein forms F540C.
Identifiers: ClinVar variation 4620722 (VCV004620722.2).

ClinVar aggregate classification (germline): Uncertain significance. Review status: criteria provided, multiple submitters, no conflicts (2 of 4 stars). 2 submissions from 2 submitters: Uncertain significance (2). Last evaluated 2026-04-14.

Conditions:
Primary ciliary dyskinesia. Also called: Ciliary dyskinesia. Identifiers: Orphanet 244, MedGen C0008780, MONDO:0016575, HP:0012265.

Submissions (2):

GeneDx
Classification: Uncertain significance. Last evaluated: 2026-04-14. Review status: criteria provided, single submitter. Criteria: GeneDx Variant Classification Process June 2021. Collection method: clinical testing. Allele origin: germline.
Comment: Not observed at significant frequency in large population cohorts (gnomAD); In silico analysis supports that this missense variant has a deleterious effect on protein structure/function; In silico analysis supports a deleterious effect on splicing; Has not been previously published as pathogenic or benign to our knowledge

Ambry Genetics
Classification: Uncertain significance for Primary ciliary dyskinesia. Last evaluated: 2025-11-23. Review status: criteria provided, single submitter. Criteria: Ambry Variant Classification Scheme 2023. Collection method: clinical testing. Allele origin: germline.